The following is an entry in ClinVar:

ClinVar aggregate classification (germline): Uncertain significance (1 of 4 stars; one submission).

Conditions:
Glycine encephalopathy. Also called: Nonketotic hyperglycinemia; Non-ketotic hyperglycinemia. Identifiers: Orphanet 407, MedGen C0751748, MONDO:0011612, HP:0008288.

Allele frequency attached by ClinVar (database versions not stated): gnomAD exomes below 0.00001 and 0.00001; ExAC 0.00001; gnomAD 0.00001; TOPMed 0.00001.
gnomAD v4.1: 7 of 1,614,008 alleles (0.00043%); highest among the groups gnomAD compares: African/African-American, 0.004%; no homozygotes.

Submission:

Labcorp Genetics (formerly Invitae), Labcorp
Classification: Uncertain significance for Glycine encephalopathy. Last evaluated: 2022-09-27. Review status: criteria provided, single submitter. Criteria: Invitae Variant Classification Sherloc (09022015). Collection method: clinical testing. Allele origin: germline.
Comment: This sequence change replaces phenylalanine, which is neutral and non-polar, with cysteine, which is neutral and slightly polar, at codon 320 of the GLDC protein (p.Phe320Cys). This variant is present in population databases (rs773173613, gnomAD 0.01%). This variant has not been reported in the literature in individuals affected with GLDC-related conditions. ClinVar contains an entry for this variant (Variation ID: 1396028). Advanced modeling of protein sequence and biophysical properties (such as structural, functional, and spatial information, amino acid conservation, physicochemical variation, residue mobility, and thermodynamic stability) performed at Invitae indicates that this missense variant is expected to disrupt GLDC protein function. In summary, the available evidence is currently insufficient to determine the role of this variant in disease. Therefore, it has been classified as a Variant of Uncertain Significance.

NM_000170.3(GLDC):c.959T>G (p.Phe320Cys)

Gene: GLDC (glycine decarboxylase; minus strand). Cytogenetic location: 9p24.1.
Variant type: single nucleotide variant.
Coding change: c.959T>G on transcript NM_000170.3 (MANE Select); coding-DNA position 959, T replaced by G.
Protein change: p.Phe320Cys; replaces phenylalanine 320 with cysteine.
Molecular consequence: missense variant.
Genome position (GRCh38, 1-based): chr9:6,604,687, A>C on the plus strand (T>G on the coding strand, the complement: GLDC is on the minus strand). VCF-style: chr9-6604687-A-C. GRCh37 (hg19) VCF-style: chr9-6604687-A-C.
Other names: short protein forms F320C.
Identifiers: ClinVar variation 1396028 (VCV001396028.6), dbSNP rs773173613, ClinGen allele CA4980913.